The following is an entry in ClinVar:

NM_170784.3(MKKS):c.522C>G (p.Val174=)

Gene: MKKS (MKKS centrosomal shuttling protein; minus strand). Cytogenetic location: 20p12.2.
Variant type: single nucleotide variant.
Coding change: c.522C>G on transcript NM_170784.3 (MANE Select); coding-DNA position 522, C replaced by G.
Protein change: p.Val174=; no amino-acid change (valine 174 retained).
Molecular consequence: synonymous variant.
Genome position (GRCh38, 1-based): chr20:10,412,993, G>C on the plus strand (C>G on the coding strand, the complement: MKKS is on the minus strand). VCF-style: chr20-10412993-G-C. GRCh37 (hg19) VCF-style: chr20-10393641-G-C.
Other names: c.522C>G, p.Val174= (NM_018848.3).
Identifiers: ClinVar variation 2943015 (VCV002943015.4), dbSNP rs2514496580, ClinGen allele CA509815284.
Genomic context (GRCh38, chr20:10,412,993, plus strand): 5'-GATGTGGCCTTCAGCATTTTCTGGAATTGTAAGCAAAAAGGCTCTCAGGATCAAAGCACT[G>C]ACATGCTCTGTTTCCTTTCTGGTGAGCATACAGGCAGGTTTACTTGTTAATATACTACGC-3'
Protein context (NP_740754.1, residues 164-184): CMLTRKETEH[Val174=]SALILRAFLL

ClinVar aggregate classification (germline): Likely benign. Review status: criteria provided, multiple submitters, no conflicts (2 of 4 stars). 2 submissions from 2 submitters: Likely benign (2). Last evaluated 2025-01-18.

Conditions:
Bardet-Biedl syndrome (BBS). Identifiers: Orphanet 110, MedGen C0752166, MONDO:0015229.
McKusick-Kaufman syndrome (MKKS). Also called: HYDROMETROCOLPOS SYNDROME; HYDROMETROCOLPOS, POSTAXIAL POLYDACTYLY, AND CONGENITAL HEART MALFORMATION. Identifiers: Orphanet 2473, MedGen C0948368, MONDO:0009367, OMIM 236700.
MKKS-related disorder. Also called: MKKS-related condition; MKKS-related disorders.

Submissions (2):

PreventionGenetics, part of Exact Sciences
Classification: Likely benign for MKKS-related condition. Last evaluated: 2025-01-18. Review status: criteria provided, single submitter. Criteria: ACMG Guidelines, 2015. Collection method: clinical testing. Allele origin: germline.
Comment: This variant is classified as likely benign based on ACMG/AMP sequence variant interpretation guidelines (Richards et al. 2015 PMID: 25741868, with internal and published modifications).

Labcorp Genetics (formerly Invitae), Labcorp
Classification: Likely benign for McKusick-Kaufman syndrome; Bardet-Biedl syndrome. Last evaluated: 2023-01-07. Review status: criteria provided, single submitter. Criteria: Invitae Variant Classification Sherloc (09022015). Collection method: clinical testing. Allele origin: germline.